The following is an entry in ClinVar:

NM_004629.2(FANCG):c.1189T>C (p.Phe397Leu)

Gene: FANCG (FA complementation group G; minus strand). Cytogenetic location: 9p13.3.
Variant type: single nucleotide variant.
Coding change: c.1189T>C on transcript NM_004629.2 (MANE Select); coding-DNA position 1189, T replaced by C.
Protein change: p.Phe397Leu; replaces phenylalanine 397 with leucine.
Molecular consequence: missense variant.
Genome position (GRCh38, 1-based): chr9:35,075,709, A>G on the plus strand (T>C on the coding strand, the complement: FANCG is on the minus strand). VCF-style: chr9-35075709-A-G. GRCh37 (hg19) VCF-style: chr9-35075706-A-G.
Other names: short protein forms F397L.
Identifiers: ClinVar variation 408139 (VCV000408139.8), dbSNP rs1060501868, ClinGen allele CA16612884.

ClinVar aggregate classification (germline): Uncertain significance. Review status: criteria provided, multiple submitters, no conflicts (2 of 4 stars). 3 submissions from 3 submitters: Uncertain significance (2). 1 of the submissions does not count toward it. Last evaluated 2025-01-08.

Conditions:
Inborn genetic diseases. Identifiers: MedGen C0950123, MeSH D030342.
Fanconi anemia (FA). Also called: Fanconi's anemia. Identifiers: Orphanet 84, MedGen C0015625, MeSH D005199, MONDO:0019391.
Fanconi anemia complementation group G. Also called: FANCG-Related Fanconi Anemia; Fanconi anemia group G. Identifiers: Orphanet 84, MedGen C3469527, MONDO:0013565, OMIM 614082.

Allele frequency attached by ClinVar (database versions not stated): gnomAD exomes below 0.00001 and 0.00001; TOPMed below 0.00001; gnomAD 0.00001.
gnomAD v4.1: 10 of 1,342,452 alleles (0.00074%); highest among the groups gnomAD compares: African/African-American, 0.0016%; no homozygotes.

Submissions (3):

Ambry Genetics
Classification: Uncertain significance for Inborn genetic diseases. Last evaluated: 2025-01-08. Review status: criteria provided, single submitter. Criteria: Ambry Variant Classification Scheme 2023. Collection method: clinical testing. Allele origin: germline.
Comment: The p.F397L variant (also known as c.1189T>C), located in coding exon 10 of the FANCG gene, results from a T to C substitution at nucleotide position 1189. The phenylalanine at codon 397 is replaced by leucine, an amino acid with highly similar properties. This amino acid position is conserved. In addition, this alteration is predicted to be tolerated by in silico analysis. Based on the available evidence, the clinical significance of this variant remains unclear.

Labcorp Genetics (formerly Invitae), Labcorp
Classification: Uncertain significance for Fanconi anemia. Last evaluated: 2021-09-01. Review status: criteria provided, single submitter. Criteria: Invitae Variant Classification Sherloc (09022015). Collection method: clinical testing. Allele origin: germline.
Comment: This sequence change replaces phenylalanine with leucine at codon 397 of the FANCG protein (p.Phe397Leu). The phenylalanine residue is moderately conserved and there is a small physicochemical difference between phenylalanine and leucine. This variant is not present in population databases (ExAC no frequency). This variant has not been reported in the literature in individuals affected with FANCG-related conditions. Algorithms developed to predict the effect of missense changes on protein structure and function are either unavailable or do not agree on the potential impact of this missense change (SIFT: "Tolerated"; PolyPhen-2: "Possibly Damaging"; Align-GVGD: "Class C0"). In summary, the available evidence is currently insufficient to determine the role of this variant in disease. Therefore, it has been classified as a Variant of Uncertain Significance.

Natera, Inc.
Classification: Uncertain significance for Fanconi anemia group G. Last evaluated: 2020-03-10. Review status: no assertion criteria provided. Collection method: clinical testing. Allele origin: germline. Not counted in ClinVar's aggregate classification.